The following is an entry in ClinVar:

ClinVar aggregate classification (germline): Uncertain significance (1 of 4 stars; one submission).

Conditions:
Combined immunodeficiency with skin granulomas. Identifiers: Orphanet 157949, MedGen C2673536, MONDO:0009306, OMIM 233650.
Severe combined immunodeficiency, autosomal recessive, T cell-negative, B cell-negative, NK cell-positive. Also called: Severe combined immunodeficiency due to complete RAG1/2 deficiency; SCID, T CELL-NEGATIVE, B CELL-NEGATIVE, NK CELL-POSITIVE; SCID, AR, T-cell negative, B-cell negative, NK cell-positive. Identifiers: Orphanet 331206, MedGen C1832322, MONDO:0011086, OMIM 601457.

Allele frequency attached by ClinVar (database versions not stated): ExAC 0.00001; gnomAD exomes 0.00001 and 0.00002.
gnomAD v4.1: 12 of 1,614,164 alleles (0.00074%); highest among the groups gnomAD compares: Non-Finnish European, 0.001%; no homozygotes.

Submission:

Labcorp Genetics (formerly Invitae), Labcorp
Classification: Uncertain significance for Combined immunodeficiency with skin granulomas; Severe combined immunodeficiency, autosomal recessive, T cell-negative, B cell-negative, NK cell-positive. Last evaluated: 2021-12-13. Review status: criteria provided, single submitter. Criteria: Invitae Variant Classification Sherloc (09022015). Collection method: clinical testing. Allele origin: germline.
Comment: This sequence change replaces proline, which is neutral and non-polar, with arginine, which is basic and polar, at codon 99 of the RAG2 protein (p.Pro99Arg). This variant is present in population databases (rs747968724, gnomAD 0.004%). This variant has not been reported in the literature in individuals affected with RAG2-related conditions. ClinVar contains an entry for this variant (Variation ID: 1047082). Advanced modeling of protein sequence and biophysical properties (such as structural, functional, and spatial information, amino acid conservation, physicochemical variation, residue mobility, and thermodynamic stability) performed at Invitae indicates that this missense variant is expected to disrupt RAG2 protein function. In summary, the available evidence is currently insufficient to determine the role of this variant in disease. Therefore, it has been classified as a Variant of Uncertain Significance.

NM_000536.4(RAG2):c.296C>G (p.Pro99Arg)

Gene: RAG2 (recombination activating 2; minus strand). Cytogenetic location: 11p12.
Variant type: single nucleotide variant.
Coding change: c.296C>G on transcript NM_000536.4 (MANE Select); coding-DNA position 296, C replaced by G.
Protein change: p.Pro99Arg; replaces proline 99 with arginine.
Molecular consequence: missense variant.
Genome position (GRCh38, 1-based): chr11:36,593,873, G>C on the plus strand (C>G on the coding strand, the complement: RAG2 is on the minus strand). VCF-style: chr11-36593873-G-C. GRCh37 (hg19) VCF-style: chr11-36615423-G-C.
Other names: c.296C>G, p.Pro99Arg (NM_001243785.2, NM_001243786.2); short protein forms P99R.
Identifiers: ClinVar variation 1047082 (VCV001047082.4), dbSNP rs747968724, ClinGen allele CA5950596.